The following is an entry in ClinVar:

ClinVar aggregate classification (germline): Uncertain significance (1 of 4 stars; one submission).

Conditions:
RASopathy. Also called: rasopathies; Noonan spectrum disorder. Identifiers: Orphanet 536391, MedGen C5555857, MONDO:0021060.

Allele frequency attached by ClinVar (database versions not stated): gnomAD exomes 0.00001; ExAC 0.00002; gnomAD 0.00002; TOPMed 0.00003; ESP Exome Variant Server 0.00015.
gnomAD v4.1: 3 of 1,613,948 alleles (0.00019%); highest among the groups gnomAD compares: African/African-American, 0.004%; no homozygotes.

Submission:

Labcorp Genetics (formerly Invitae), Labcorp
Classification: Uncertain significance for RASopathy. Last evaluated: 2025-02-12. Review status: criteria provided, single submitter. Criteria: Invitae Variant Classification Sherloc (09022015). Collection method: clinical testing. Allele origin: germline.
Comment: This sequence change replaces alanine, which is neutral and non-polar, with valine, which is neutral and non-polar, at codon 80 of the MAP2K2 protein (p.Ala80Val). This variant is present in population databases (rs142271248, gnomAD 0.01%). This variant has not been reported in the literature in individuals affected with MAP2K2-related conditions. ClinVar contains an entry for this variant (Variation ID: 958648). Invitae Evidence Modeling incorporating data from in vitro experimental studies (internal data) indicates that this missense variant is not expected to disrupt MAP2K2 function with a negative predictive value of 95%. In summary, the available evidence is currently insufficient to determine the role of this variant in disease. Therefore, it has been classified as a Variant of Uncertain Significance.

NM_030662.4(MAP2K2):c.239C>T (p.Ala80Val)

Gene: MAP2K2 (mitogen-activated protein kinase kinase 2; minus strand). Cytogenetic location: 19p13.3.
Variant type: single nucleotide variant.
Coding change: c.239C>T on transcript NM_030662.4 (MANE Select); coding-DNA position 239, C replaced by T.
Protein change: p.Ala80Val; replaces alanine 80 with valine.
Molecular consequence: missense variant.
Genome position (GRCh38, 1-based): chr19:4,117,483, G>A on the plus strand (C>T on the coding strand, the complement: MAP2K2 is on the minus strand). VCF-style: chr19-4117483-G-A. GRCh37 (hg19) VCF-style: chr19-4117481-G-A.
Other names: short protein forms A80V.
Identifiers: ClinVar variation 958648 (VCV000958648.9), dbSNP rs142271248, ClinGen allele CA9091071.